The following is an entry in ClinVar:

NM_000632.4(ITGAM):c.721A>C (p.Ile241Leu)

Genes: ITGAM (integrin subunit alpha M; plus strand), LOC126862332 (BRD4-independent group 4 enhancer GRCh37_chr16:31284654-31285853; plus strand). Cytogenetic location: 16p11.2.
Variant type: single nucleotide variant.
Coding change: c.721A>C on transcript NM_000632.4 (MANE Select); coding-DNA position 721, A replaced by C.
Protein change: p.Ile241Leu; replaces isoleucine 241 with leucine.
Molecular consequence: missense variant.
Genome position (GRCh38, 1-based): chr16:31,273,381, A>C. VCF-style: chr16-31273381-A-C. GRCh37 (hg19) VCF-style: chr16-31284702-A-C.
Other names: c.721A>C, p.Ile241Leu (NM_001145808.2); short protein forms I241L.
Identifiers: ClinVar variation 2324882 (VCV002324882.5), dbSNP rs889524923, ClinGen allele CA280604956.
Genomic context (GRCh38, chr16:31,273,381, plus strand): 5'-TCATCTACTTGCATTTGACTTTGTCCCTCCTGTTTCCTGCACAGACGAGAGCTGTTTAAC[A>C]TCACCAACGGAGCCCGAAAGAATGCCTTTAAGATCCTAGTTGTCATCACGGATGGAGAAA-3'
Protein context (NP_000623.2, residues 231-251): IRKVVRELFN[Ile241Leu]TNGARKNAFK

ClinVar aggregate classification (germline): Uncertain significance. Review status: criteria provided, multiple submitters, no conflicts (2 of 4 stars). 2 submissions from 2 submitters: Uncertain significance (2). Last evaluated 2024-01-07.

Allele frequency attached by ClinVar (database versions not stated): TOPMed below 0.00001.

Submissions (2):

Labcorp Genetics (formerly Invitae), Labcorp
Classification: Uncertain significance. Last evaluated: 2024-01-07. Review status: criteria provided, single submitter. Criteria: Invitae Variant Classification Sherloc (09022015). Collection method: clinical testing. Allele origin: germline.
Comment: This sequence change replaces isoleucine, which is neutral and non-polar, with leucine, which is neutral and non-polar, at codon 241 of the ITGAM protein (p.Ile241Leu). This variant is not present in population databases (gnomAD no frequency). This variant has not been reported in the literature in individuals affected with ITGAM-related conditions. ClinVar contains an entry for this variant (Variation ID: 2324882). An algorithm developed to predict the effect of missense changes on protein structure and function (PolyPhen-2) suggests that this variant is likely to be tolerated. In summary, the available evidence is currently insufficient to determine the role of this variant in disease. Therefore, it has been classified as a Variant of Uncertain Significance.

Ambry Genetics
Classification: Uncertain significance. Last evaluated: 2022-11-09. Review status: criteria provided, single submitter. Criteria: Ambry Variant Classification Scheme 2023. Collection method: clinical testing. Allele origin: germline.